The following is an entry in ClinVar:

NM_001130438.3(SPTAN1):c.4283C>G (p.Ala1428Gly)

Gene: SPTAN1 (spectrin alpha, non-erythrocytic 1; plus strand). Cytogenetic location: 9q34.11.
Variant type: single nucleotide variant.
Coding change: c.4283C>G on transcript NM_001130438.3 (MANE Select); coding-DNA position 4283, C replaced by G.
Protein change: p.Ala1428Gly; replaces alanine 1428 with glycine.
Molecular consequence: missense variant.
Genome position (GRCh38, 1-based): chr9:128,607,988, C>G. VCF-style: chr9-128607988-C-G. GRCh37 (hg19) VCF-style: chr9-131370267-C-G.
Other names: p.A1428G:GCA>GGA; p.Ala1428Gly; c.4319C>G, p.Ala1440Gly (NM_001375318.1, NM_001375312.2); c.4283C>G, p.Ala1428Gly (NM_003127.4, NM_001363759.2, NM_001375310.1 and 2 more transcripts); c.4223C>G, p.Ala1408Gly (NM_001195532.2, NM_001363765.2, NM_001375314.2); short protein forms A1428G, A1408G, A1440G.
Identifiers: ClinVar variation 196861 (VCV000196861.55), dbSNP rs143166100, ClinGen allele CA302961.
Genomic context (GRCh38, chr9:128,607,988, plus strand): 5'-ACGGACACTATGCCAGCCCTGAGATCAAGCAGAAACTTGATATTCTTGACCAGGAGCGTG[C>G]AGACCTGGAGAAGGCCTGGGTTCAGCGCAGGATGATGCTGGATCAGTGCCTTGAACTGCA-3'
Protein context (NP_001123910.1, residues 1418-1438): QKLDILDQER[Ala1428Gly]DLEKAWVQRR

ClinVar aggregate classification (germline): Benign/Likely benign. Review status: criteria provided, multiple submitters, no conflicts (2 of 4 stars). 17 submissions from 17 submitters: Benign (4); Likely benign (8). 5 of the submissions do not count toward it. Last evaluated 2026-05-01.

Conditions:
Early-infantile DEE. Also called: Early infantile epileptic encephalopathy; Early infantile epileptic encephalopathy with suppression bursts; Ohtahara syndrome. Identifiers: Orphanet 1934, MedGen C0393706, MONDO:0800491.
SPTAN1-related disorder. Also called: SPTAN1-related condition; SPTAN1-related disorders.
Self-limited epilepsy with centrotemporal spikes. Also called: Rolandic epilepsy; Childhood epilepsy with centrotemporal spikes. Identifiers: Orphanet 1945, MedGen C0376532, MONDO:0007295.
Inborn genetic diseases. Identifiers: MedGen C0950123, MeSH D030342.
Developmental and epileptic encephalopathy, 5 (DEE5). Identifiers: Orphanet 3451, MedGen C3150731, MONDO:0013277, OMIM 613477.

Allele frequency attached by ClinVar (database versions not stated): 1000 Genomes Project 0.00020; 1000 Genomes Project 30x 0.00031; TOPMed 0.00049; gnomAD 0.00054 and 0.00057; gnomAD exomes 0.00057; ExAC 0.00064; ESP Exome Variant Server 0.00069.
gnomAD v4.1: 1,314 of 1,614,122 alleles (0.081%); highest among the groups gnomAD compares: Non-Finnish European, 0.1%; 1 homozygote.

Submissions (17):

CeGaT Center for Human Genetics Tuebingen
Classification: Benign. Last evaluated: 2026-05-01. Review status: criteria provided, single submitter. Criteria: CeGaT Center For Human Genetics Tuebingen Variant Classification Criteria Version 2. Collection method: clinical testing. Allele origin: germline. Affected: yes. Observed: 14 variant alleles.
Comment: SPTAN1: BP4, BS1, BS2

Women's Health and Genetics/Laboratory Corporation of America, LabCorp
Classification: Likely benign. Last evaluated: 2026-03-11. Review status: criteria provided, single submitter. Criteria: LabCorp Variant Classification Summary - May 2015. Collection method: clinical testing. Allele origin: germline.
Comment: Variant summary: SPTAN1 c.4283C>G (p.Ala1428Gly) results in a non-conservative amino acid change in the encoded protein sequence. Algorithms developed to predict the effect of missense changes on protein structure and function are either unavailable or do not agree on the potential impact of this missense change. The variant allele was found at a frequency of 0.00057 in 251446 control chromosomes, predominantly at a frequency of 0.001 within the Non-Finnish European subpopulation in the gnomAD database. The observed variant frequency within Non-Finnish European control individuals in the gnomAD database exceeds the estimated maximal expected allele frequency for disease-causing variants in SPTAN1, suggesting the variant may be benign. c.4283C>G has been observed in an individual affected with Rolandic epilepsy and in a control individual from the same study, and in a compound heterozygous individual affected with hereditary spastic paraplegia (e.g. Bobbili_2018, Leveille_2019). These report(s) do not provide unequivocal conclusions about association of the variant with Epileptic Encephalopathy, Early Infantile, 5. To our knowledge, no experimental evidence demonstrating an impact on protein function has been reported. The following publications have been ascertained in the context of this evaluation (PMID: 29358611, 31515523). ClinVar contains an entry for this variant (Variation ID: 196861). Based on the evidence outlined above, the variant was classified as likely benign.

Labcorp Genetics (formerly Invitae), Labcorp
Classification: Likely benign for Early-infantile DEE. Last evaluated: 2026-01-12. Review status: criteria provided, single submitter. Criteria: Invitae Variant Classification Sherloc (09022015). Collection method: clinical testing. Allele origin: germline.

Blueprint Genetics
Classification: Likely benign. Last evaluated: 2024-11-05. Review status: criteria provided, single submitter. Criteria: ACMG Guidelines, 2015. Collection method: clinical testing. Allele origin: germline.

Mayo Clinic Laboratories, Mayo Clinic
Classification: Benign. Last evaluated: 2024-05-07. Review status: criteria provided, single submitter. Criteria: ACMG Guidelines, 2015. Collection method: clinical testing. Allele origin: germline. Observed: 3 variant alleles.
Comment: BS1, BS2, BP4

Ambry Genetics
Classification: Likely benign for Inborn genetic diseases. Last evaluated: 2023-05-24. Review status: criteria provided, single submitter. Criteria: Ambry Variant Classification Scheme 2023. Collection method: clinical testing. Allele origin: germline.

Fulgent Genetics
Classification: Likely benign for Developmental and epileptic encephalopathy, 5. Last evaluated: 2022-02-09. Review status: criteria provided, single submitter. Criteria: ACMG Guidelines, 2015. Collection method: clinical testing. Allele origin: unknown.

Genome-Nilou Lab
Classification: Benign for Developmental and epileptic encephalopathy, 5. Last evaluated: 2021-07-15. Review status: criteria provided, single submitter. Criteria: ACMG Guidelines, 2015. Collection method: clinical testing. Allele origin: germline. Affected: no.

GeneDx
Classification: Benign. Last evaluated: 2021-02-23. Review status: criteria provided, single submitter. Criteria: GeneDx Variant Classification Process June 2021. Collection method: clinical testing. Allele origin: germline. Affected: yes.
Comment: This variant is associated with the following publications: (PMID: 29741288, 31515523)

Genetic Services Laboratory, University of Chicago
Classification: Likely benign. Last evaluated: 2021-02-09. Review status: criteria provided, single submitter. Criteria: ACMG Guidelines, 2015. Collection method: clinical testing. Allele origin: germline. Affected: no.

Institute of Human Genetics, University of Leipzig Medical Center
Classification: Likely benign for Developmental and epileptic encephalopathy, 5. Last evaluated: 2019-01-01. Review status: criteria provided, single submitter. Criteria: ACMG Guidelines, 2015. Collection method: clinical testing. Allele origin: unknown. Affected: yes.

Eurofins Ntd Llc (ga)
Classification: Likely benign. Last evaluated: 2015-04-15. Review status: criteria provided, single submitter. Criteria: EGL Classification Definitions 2015. Collection method: clinical testing. Allele origin: germline. Observed: 1 variant allele, 1 heterozygote.

OMIM
Classification: Uncertain significance for VARIANT OF UNKNOWN SIGNIFICANCE. Last evaluated: 2023-09-29. Review status: no assertion criteria provided. Collection method: literature only. Allele origin: germline. Not counted in ClinVar's aggregate classification.

PreventionGenetics, part of Exact Sciences
Classification: Likely benign for SPTAN1-related condition. Last evaluated: 2020-01-31. Review status: no assertion criteria provided. Collection method: clinical testing. Allele origin: germline. Not counted in ClinVar's aggregate classification.
Comment: This variant is classified as likely benign based on ACMG/AMP sequence variant interpretation guidelines (Richards et al. 2015 PMID: 25741868, with internal and published modifications).

Diagnostic Laboratory, Department of Genetics, University Medical Center Groningen
Classification: Likely benign for Developmental and epileptic encephalopathy, 5. Review status: no assertion criteria provided. Collection method: clinical testing. Allele origin: germline. Affected: yes. Study: VKGL Data-share Consensus. Not counted in ClinVar's aggregate classification.

Genome Diagnostics Laboratory, University Medical Center Utrecht
Classification: Likely benign. Review status: no assertion criteria provided. Collection method: clinical testing. Allele origin: germline. Affected: yes. Study: VKGL Data-share Consensus. Not counted in ClinVar's aggregate classification.

Bioinformatics Core, Luxembourg Center for Systems Biomedicine
Classification: Pathogenic for Self-limited epilepsy with centrotemporal spikes. Last evaluated: 2017-01-01. Review status: flagged submission. Collection method: case-control. Allele origin: germline. Affected: yes. Study: EUROEPINOMICS COGIE. Not counted in ClinVar's aggregate classification.
Comment: CAADphred>15
ClinVar note: Reason: Claim with insufficient supporting evidence

Literature cited by the submitters: PubMed 29358611 (cited by Women's Health and Genetics/Laboratory Corporation of America, LabCorp and Bioinformatics Core, Luxembourg Center for Systems Biomedicine); PubMed 31515523 (cited by Women's Health and Genetics/Laboratory Corporation of America, LabCorp and OMIM); PubMed 34426522 (cited by Mayo Clinic Laboratories, Mayo Clinic).